The following is an entry in ClinVar:

ClinVar aggregate classification (germline): Uncertain significance (1 of 4 stars; one submission).

Conditions:
Hypercholesterolemia, autosomal dominant, 3 (FHCL3). Also called: PCSK9-Related Familial Hypercholesterolemia, Autosomal Dominant; Familial Hypercholesterolemia, Autosomal Dominant, 3; Familial hypercholesterolemia 3. Identifiers: MedGen C1863551, MONDO:0011369, OMIM 603776.

Submission:

Labcorp Genetics (formerly Invitae), Labcorp
Classification: Uncertain significance for Hypercholesterolemia, autosomal dominant, 3. Last evaluated: 2022-07-06. Review status: criteria provided, single submitter. Criteria: Invitae Variant Classification Sherloc (09022015). Collection method: clinical testing. Allele origin: germline.
Comment: This variant has not been reported in the literature in individuals affected with PCSK9-related conditions. This variant results in a copy number gain of the genomic region encompassing exon(s) 1 of the PCSK9 gene. This region includes the initiator codon of the gene. This copy number gain extends beyond the assayed region for this gene and therefore may encompass additional genes. As the precise location of this event is unknown, it may be in tandem or it may be located elsewhere in the genome. In summary, the available evidence is currently insufficient to determine the role of this variant in disease. Therefore, it has been classified as a Variant of Uncertain Significance.

NC_000001.10:g.(?_55505511)_(55505737_?)dup

Gene: PCSK9 (proprotein convertase subtilisin/kexin type 9; plus strand). Cytogenetic location: 1p32.3.
Variant type: Duplication.
Identifiers: ClinVar variation 2427532 (VCV002427532.6).